The following is an entry in ClinVar:

NM_173728.4(ARHGEF15):c.2123G>A (p.Arg708His)

Gene: ARHGEF15 (Rho guanine nucleotide exchange factor 15; plus strand). Cytogenetic location: 17p13.1.
Variant type: single nucleotide variant.
Coding change: c.2123G>A on transcript NM_173728.4 (MANE Select); coding-DNA position 2123, G replaced by A.
Protein change: p.Arg708His; replaces arginine 708 with histidine.
Molecular consequence: missense variant.
Genome position (GRCh38, 1-based): chr17:8,319,096, G>A. VCF-style: chr17-8319096-G-A. GRCh37 (hg19) VCF-style: chr17-8222414-G-A.
Other names: c.2123G>A, p.Arg708His (NM_025014.2); short protein forms R708H.
Identifiers: ClinVar variation 1401355 (VCV001401355.7), dbSNP rs759419450, ClinGen allele CA8375427.

ClinVar aggregate classification (germline): Uncertain significance (1 of 4 stars; one submission).

Conditions:
Early-infantile DEE. Also called: Ohtahara syndrome; Early infantile epileptic encephalopathy with suppression bursts; Early infantile epileptic encephalopathy. Identifiers: Orphanet 1934, MedGen C0393706, MONDO:0800491.

Allele frequency attached by ClinVar (database versions not stated): gnomAD exomes 0.00001; TOPMed 0.00001; ExAC 0.00002; gnomAD 0.00001.
gnomAD v4.1: 11 of 1,613,764 alleles (0.00068%); highest among the groups gnomAD compares: East Asian, 0.0022%; no homozygotes.

Submission:

Labcorp Genetics (formerly Invitae), Labcorp
Classification: Uncertain significance for Early-infantile DEE. Last evaluated: 2021-12-03. Review status: criteria provided, single submitter. Criteria: Invitae Variant Classification Sherloc (09022015). Collection method: clinical testing. Allele origin: germline.
Comment: In summary, the available evidence is currently insufficient to determine the role of this variant in disease. Therefore, it has been classified as a Variant of Uncertain Significance. Algorithms developed to predict the effect of missense changes on protein structure and function (SIFT, PolyPhen-2, Align-GVGD) all suggest that this variant is likely to be disruptive. This variant has not been reported in the literature in individuals affected with ARHGEF15-related conditions. This variant is present in population databases (rs759419450, gnomAD 0.006%). This sequence change replaces arginine, which is basic and polar, with histidine, which is basic and polar, at codon 708 of the ARHGEF15 protein (p.Arg708His).